The following is an entry in ClinVar:

ClinVar aggregate classification (germline): Conflicting classifications of pathogenicity. Review status: criteria provided, conflicting classifications (1 of 4 stars). 5 submissions from 4 submitters: Uncertain significance (2); Likely benign (2). 1 of the submissions does not count toward it. Last evaluated 2023-02-22.

Conditions:
Autosomal recessive nonsyndromic hearing loss 31. Also called: WHIRLER, MOUSE, HOMOLOG OF. Identifiers: Orphanet 90636, MedGen C1846839, MONDO:0011767, OMIM 607084.
WHRN-related disorder. Also called: WHRN-related condition.
Usher syndrome type 2D. Also called: USHER SYNDROME, TYPE IID. Identifiers: Orphanet 231178, Orphanet 886, MedGen C1568249, MONDO:0012662, OMIM 611383.

Allele frequency attached by ClinVar (database versions not stated): gnomAD 0.00001; gnomAD exomes 0.00001; TOPMed 0.00001.
gnomAD v4.1: 15 of 1,612,716 alleles (0.00093%); highest among the groups gnomAD compares: African/African-American, 0.0013%; no homozygotes.

Submissions (5):

Labcorp Genetics (formerly Invitae), Labcorp
Classification: Likely benign. Last evaluated: 2023-02-22. Review status: criteria provided, single submitter. Criteria: Invitae Variant Classification Sherloc (09022015). Collection method: clinical testing. Allele origin: germline.

Laboratory for Molecular Medicine, Mass General Brigham Personalized Medicine
Classification: Likely benign. Last evaluated: 2018-09-06. Review status: criteria provided, single submitter. Criteria: LMM Criteria. Collection method: clinical testing. Allele origin: germline. Observed: 1 variant allele.
Comment: The p.Thr230Thr variant in WHRN is classified as likely benign because it does n ot alter an amino acid residue, it is not located within the splice consensus se quence, and splice prediction algorithms do not predict a newly created splice s ite. It is absent from large population studies. ACMG/AMP Criteria applied: BP4, BP7.

Illumina Laboratory Services, Illumina
Classification: Uncertain significance for Autosomal recessive nonsyndromic hearing loss 31. Last evaluated: 2018-01-12. Review status: criteria provided, single submitter. Criteria: ICSL Variant Classification Criteria 13 December 2019. Collection method: clinical testing. Allele origin: germline.

Illumina Laboratory Services, Illumina
Classification: Uncertain significance for Usher syndrome type 2D. Last evaluated: 2018-01-12. Review status: criteria provided, single submitter. Criteria: ICSL Variant Classification Criteria 13 December 2019. Collection method: clinical testing. Allele origin: germline.

PreventionGenetics, part of Exact Sciences
Classification: Likely benign for WHRN-related condition. Last evaluated: 2019-09-17. Review status: no assertion criteria provided. Collection method: clinical testing. Allele origin: germline. Not counted in ClinVar's aggregate classification.
Comment: This variant is classified as likely benign based on ACMG/AMP sequence variant interpretation guidelines (Richards et al. 2015 PMID: 25741868, with internal and published modifications).

NM_015404.4(WHRN):c.690C>T (p.Thr230=)

Gene: WHRN (whirlin; minus strand). Cytogenetic location: 9q32.
Variant type: single nucleotide variant.
Coding change: c.690C>T on transcript NM_015404.4 (MANE Select); coding-DNA position 690, C replaced by T.
Protein change: p.Thr230=; no amino-acid change (threonine 230 retained).
Molecular consequence: synonymous variant. On other transcripts: 5 prime UTR variant (1).
Genome position (GRCh38, 1-based): chr9:114,478,700, G>A on the plus strand (C>T on the coding strand, the complement: WHRN is on the minus strand). VCF-style: chr9-114478700-G-A. GRCh37 (hg19) VCF-style: chr9-117240980-G-A.
Other names: c.-460C>T (NM_001083885.3); c.690C>T, p.Thr230= (NM_001173425.2).
Identifiers: ClinVar variation 364697 (VCV000364697.13), dbSNP rs779112096, ClinGen allele CA10626284.
Genomic context (GRCh38, chr9:114,478,700, plus strand): 5'-CAGGCCCGAGGGTGGGGAGATGCTGCGGCCCTGCGGGTCCACCCAGGTGTAGATGTGGTT[G>A]GTGACGTAGCCCCCAGGGATGCGCCCTGCTGAGTACACAGACAGCACCAGCTTCTTGGAG-3'
Protein context (NP_056219.3, residues 220-240): SAGRIPGGYV[Thr230=]NHIYTWVDPQ